The following is an entry in ClinVar:

ClinVar aggregate classification (germline): Uncertain significance (1 of 4 stars; one submission).

gnomAD v4.1: 1 of 1,611,746 alleles (0.000062%); highest among the groups gnomAD compares: East Asian, 0.0022%; no homozygotes.

Submission:

CeGaT Center for Human Genetics Tuebingen
Classification: Uncertain significance. Last evaluated: 2026-02-01. Review status: criteria provided, single submitter. Criteria: CeGaT Center For Human Genetics Tuebingen Variant Classification Criteria Version 2. Collection method: clinical testing. Allele origin: germline. Affected: yes. Observed: 1 variant allele.
Comment: BPTF: PP2

NM_182641.4(BPTF):c.2335A>G (p.Thr779Ala)

Gene: BPTF (bromodomain PHD finger transcription factor; plus strand). Cytogenetic location: 17q24.2.
Variant type: single nucleotide variant.
Coding change: c.2335A>G on transcript NM_182641.4 (MANE Select); coding-DNA position 2335, A replaced by G.
Protein change: p.Thr779Ala; replaces threonine 779 with alanine.
Molecular consequence: missense variant.
Genome position (GRCh38, 1-based): chr17:67,893,649, A>G. VCF-style: chr17-67893649-A-G. GRCh37 (hg19) VCF-style: chr17-65889765-A-G.
Other names: c.2524A>G, p.Thr842Ala (NM_001439139.1, NM_001439141.1, NM_001439143.1 and 1 more transcripts); c.2713A>G, p.Thr905Ala (NM_001439140.1, NM_001439142.1, NM_004459.7); short protein forms T779A, T842A, T905A.
Identifiers: ClinVar variation 4823203 (VCV004823203.4).